The following is an entry in ClinVar:

ClinVar aggregate classification (germline): Conflicting classifications of pathogenicity. Review status: criteria provided, conflicting classifications (1 of 4 stars). 4 submissions from 4 submitters: Uncertain significance (1); Likely benign (3). Last evaluated 2025-06-22.

Conditions:
Collagen 6-related myopathy. Identifiers: MedGen CN117976, MONDO:0100225.
Bethlem myopathy 1A. Also called: Bethlem myopathy 1; MYOPATHY, BENIGN CONGENITAL, WITH CONTRACTURES; Bethlem Muscular Dystrophy. Identifiers: Orphanet 610, MedGen CN029274, MONDO:0024530, OMIM 158810.

Allele frequency attached by ClinVar (database versions not stated): gnomAD 0.00003 and 0.00004; TOPMed 0.00004; ExAC 0.00007; gnomAD exomes 0.00007.
gnomAD v4.1: 115 of 1,614,012 alleles (0.0071%); highest among the groups gnomAD compares: Middle Eastern, 0.12%; no homozygotes.

Submissions (4):

Labcorp Genetics (formerly Invitae), Labcorp
Classification: Likely benign for Bethlem myopathy 1A. Last evaluated: 2025-06-22. Review status: criteria provided, single submitter. Criteria: Invitae Variant Classification Sherloc (09022015). Collection method: clinical testing. Allele origin: germline.

Blueprint Genetics
Classification: Likely benign. Last evaluated: 2024-06-27. Review status: criteria provided, single submitter. Criteria: ACMG Guidelines, 2015. Collection method: clinical testing. Allele origin: germline.

Illumina Laboratory Services, Illumina
Classification: Likely benign for Collagen VI-related myopathy. Last evaluated: 2018-01-13. Review status: criteria provided, single submitter. Criteria: ICSL Variant Classification Criteria 13 December 2019. Collection method: clinical testing. Allele origin: germline.
Comment: This variant was observed in the ICSL laboratory as part of a predisposition screen in an ostensibly healthy population. It had not been previously curated by ICSL or reported in the Human Gene Mutation Database (HGMD: prior to June 1st, 2018), and was therefore a candidate for classification through an automated scoring system. Utilizing variant allele frequency, disease prevalence and penetrance estimates, and inheritance mode, an automated score was calculated to assess if this variant is too frequent to cause the disease. Based on the score and internal cut-off values, a variant classified as likely benign is not then subjected to further curation. The score for this variant resulted in a classification of likely benign for this disease.

Eurofins Ntd Llc (ga)
Classification: Uncertain significance. Last evaluated: 2015-03-06. Review status: criteria provided, single submitter. Criteria: EGL Classification Definitions 2015. Collection method: clinical testing. Allele origin: germline. Observed: 3 variant alleles, 3 heterozygotes.

NM_004369.4(COL6A3):c.8970G>A (p.Lys2990=)

Gene: COL6A3 (collagen type VI alpha 3 chain; minus strand). Cytogenetic location: 2q37.3.
Variant type: single nucleotide variant.
Coding change: c.8970G>A on transcript NM_004369.4 (MANE Select); coding-DNA position 8970, G replaced by A.
Protein change: p.Lys2990=; no amino-acid change (lysine 2990 retained).
Molecular consequence: synonymous variant.
Genome position (GRCh38, 1-based): chr2:237,334,885, C>T on the plus strand (G>A on the coding strand, the complement: COL6A3 is on the minus strand). VCF-style: chr2-237334885-C-T. GRCh37 (hg19) VCF-style: chr2-238243528-C-T.
Other names: c.7149G>A, p.Lys2383= (NM_057166.5); c.8352G>A, p.Lys2784= (NM_057167.4).
Identifiers: ClinVar variation 197437 (VCV000197437.20), dbSNP rs113721676, ClinGen allele CA245572.